The following is an entry in ClinVar:

ClinVar aggregate classification (germline): Benign. Review status: criteria provided, multiple submitters, no conflicts (2 of 4 stars). 8 submissions from 8 submitters: Benign (8). Last evaluated 2026-02-03.

Conditions:
Inborn genetic diseases. Identifiers: MedGen C0950123, MeSH D030342.
Benign neonatal seizures. Also called: Benign familial neonatal seizures; Benign neonatal familial convulsions; Benign familial neonatal epilepsy; Convulsions benign familial neonatal dominant form; Autosomal dominant form of benign neonatal seizures. Identifiers: Orphanet 1949, MedGen C0220669, MONDO:0016027.
Seizures, benign familial neonatal, 2. Also called: CONVULSIONS, BENIGN FAMILIAL NEONATAL, 2; KCNQ3-Related Self-Limited Familial Neonatal Epilepsy (SLFNE); Benign Neonatal Epilepsy 2; KCNQ3-Related Benign Familial Neonatal Epilepsy; Seizures, benign neonatal, 2. Identifiers: Orphanet 1949, MedGen C1852581, MONDO:0007366, OMIM 121201.

Allele frequency attached by ClinVar (database versions not stated): gnomAD exomes 0.00328 and 0.00122; ESP Exome Variant Server 0.01261; 1000 Genomes Project 30x 0.01608; ExAC 0.00424; gnomAD 0.01419 and 0.01315; 1000 Genomes Project 0.01438; TOPMed 0.01438.
gnomAD v4.1: 3,902 of 1,613,984 alleles (0.24%); highest among the groups gnomAD compares: African/African-American, 4.5%; 87 homozygotes.

Submissions (8):

Labcorp Genetics (formerly Invitae), Labcorp
Classification: Benign for Benign neonatal seizures. Last evaluated: 2026-02-03. Review status: criteria provided, single submitter. Criteria: Invitae Variant Classification Sherloc (09022015). Collection method: clinical testing. Allele origin: germline.

Athena Diagnostics
Classification: Benign. Last evaluated: 2025-03-10. Review status: criteria provided, single submitter. Criteria: Athena Diagnostics Criteria. Collection method: clinical testing. Allele origin: unknown.
Comment: The frequency of this variant in the general population is higher than would generally be expected for pathogenic variants in this gene.

Fulgent Genetics
Classification: Benign for Seizures, benign familial neonatal, 2. Last evaluated: 2021-10-07. Review status: criteria provided, single submitter. Criteria: ACMG Guidelines, 2015. Collection method: clinical testing. Allele origin: unknown.

Mayo Clinic Laboratories, Mayo Clinic
Classification: Benign. Last evaluated: 2020-02-11. Review status: criteria provided, single submitter. Criteria: ACMG Guidelines, 2015. Collection method: clinical testing. Allele origin: germline. Observed: 11 variant alleles.

Illumina Laboratory Services, Illumina
Classification: Benign for Seizures, benign familial neonatal, 2. Last evaluated: 2018-01-12. Review status: criteria provided, single submitter. Criteria: ICSL Variant Classification Criteria 13 December 2019. Collection method: clinical testing. Allele origin: germline.
Comment: This variant was observed in the ICSL laboratory as part of a predisposition screen in an ostensibly healthy population. It had not been previously curated by ICSL or reported in the Human Gene Mutation Database (HGMD: prior to June 1st, 2018), and was therefore a candidate for classification through an automated scoring system. Utilizing variant allele frequency, disease prevalence and penetrance estimates, and inheritance mode, an automated score was calculated to assess if this variant is too frequent to cause the disease. Based on the score and internal cut-off values, a variant classified as benign is not then subjected to further curation. The score for this variant resulted in a classification of benign for this disease.

Center for Pediatric Genomic Medicine, Children's Mercy Hospital and Clinics
Classification: Benign. Last evaluated: 2017-05-30. Review status: criteria provided, single submitter. Criteria: ACMG Guidelines, 2015. Collection method: clinical testing. Allele origin: germline.

Ambry Genetics
Classification: Benign for Inborn genetic diseases. Last evaluated: 2016-01-08. Review status: criteria provided, single submitter. Criteria: Ambry Variant Classification Scheme 2023. Collection method: clinical testing. Allele origin: germline.

GeneDx
Classification: Benign. Last evaluated: 2015-03-03. Review status: criteria provided, single submitter. Criteria: GeneDx Variant Classification Process June 2021. Collection method: clinical testing. Allele origin: germline. Affected: yes.

NM_004519.4(KCNQ3):c.1700+3G>A

Gene: KCNQ3 (potassium voltage-gated channel subfamily Q member 3; minus strand). Cytogenetic location: 8q24.22.
Variant type: single nucleotide variant.
Coding change: c.1700+3G>A on transcript NM_004519.4 (MANE Select); 3 bases into the intron after coding-DNA position 1700, G replaced by A.
Molecular consequence: intron variant.
Genome position (GRCh38, 1-based): chr8:132,137,882, C>T on the plus strand (G>A on the coding strand, the complement: KCNQ3 is on the minus strand). VCF-style: chr8-132137882-C-T. GRCh37 (hg19) VCF-style: chr8-133150129-C-T.
Other names: p.?; c.1340+3G>A (NM_001204824.2).
Identifiers: ClinVar variation 361879 (VCV000361879.24), dbSNP rs115092422, ClinGen allele CA4880630.